The following is an entry in ClinVar:

ClinVar aggregate classification (germline): Uncertain significance. Review status: criteria provided, multiple submitters, no conflicts (2 of 4 stars). 2 submissions from 2 submitters: Uncertain significance (2). Last evaluated 2024-06-07.

Conditions:
Werner syndrome (WRN). Identifiers: Orphanet 902, MedGen C0043119, MONDO:0010196, OMIM 277700.

gnomAD v4.1: 7 of 1,614,022 alleles (0.00043%); highest among the groups gnomAD compares: Non-Finnish European, 0.00059%; no homozygotes.

Submissions (2):

Fulgent Genetics
Classification: Uncertain significance for Werner syndrome. Last evaluated: 2024-06-07. Review status: criteria provided, single submitter. Criteria: ACMG Guidelines, 2015. Collection method: clinical testing. Allele origin: germline.

Labcorp Genetics (formerly Invitae), Labcorp
Classification: Uncertain significance for Werner syndrome. Last evaluated: 2022-10-03. Review status: criteria provided, single submitter. Criteria: Invitae Variant Classification Sherloc (09022015). Collection method: clinical testing. Allele origin: germline.
Comment: This sequence change replaces isoleucine, which is neutral and non-polar, with methionine, which is neutral and non-polar, at codon 340 of the WRN protein (p.Ile340Met). This variant is not present in population databases (gnomAD no frequency). This variant has not been reported in the literature in individuals affected with WRN-related conditions. ClinVar contains an entry for this variant (Variation ID: 1024747). Algorithms developed to predict the effect of missense changes on protein structure and function are either unavailable or do not agree on the potential impact of this missense change (SIFT: "Not Available"; PolyPhen-2: "Benign"; Align-GVGD: "Not Available"). In summary, the available evidence is currently insufficient to determine the role of this variant in disease. Therefore, it has been classified as a Variant of Uncertain Significance.

NM_000553.6(WRN):c.1020T>G (p.Ile340Met)

Gene: WRN (WRN RecQ like helicase; plus strand). Cytogenetic location: 8p12.
Variant type: single nucleotide variant.
Coding change: c.1020T>G on transcript NM_000553.6 (MANE Select); coding-DNA position 1020, T replaced by G.
Protein change: p.Ile340Met; replaces isoleucine 340 with methionine.
Molecular consequence: missense variant.
Genome position (GRCh38, 1-based): chr8:31,081,047, T>G. VCF-style: chr8-31081047-T-G. GRCh37 (hg19) VCF-style: chr8-30938563-T-G.
Other names: short protein forms I340M.
Identifiers: ClinVar variation 1024747 (VCV001024747.3), dbSNP rs775231592, ClinGen allele CA370920280.